The following is an entry in ClinVar:

ClinVar aggregate classification (germline): Uncertain significance (1 of 4 stars; one submission).

Submission:

Labcorp Genetics (formerly Invitae), Labcorp
Classification: Uncertain significance. Last evaluated: 2025-04-22. Review status: criteria provided, single submitter. Criteria: Invitae Variant Classification Sherloc (09022015). Collection method: clinical testing. Allele origin: germline.
Comment: This sequence change creates a premature translational stop signal (p.Cys16Serfs*44) in the CSF2RB gene. It is expected to result in an absent or disrupted protein product. However, the current clinical and genetic evidence is not sufficient to establish whether loss-of-function variants in CSF2RB cause disease. This variant is not present in population databases (gnomAD no frequency). This variant has not been reported in the literature in individuals affected with CSF2RB-related conditions. In summary, the available evidence is currently insufficient to determine the role of this variant in disease. Therefore, it has been classified as a Variant of Uncertain Significance.

NM_000395.3(CSF2RB):c.47del (p.Cys16fs)

Gene: CSF2RB (colony stimulating factor 2 receptor subunit beta; plus strand). Cytogenetic location: 22q12.3.
Variant type: Deletion.
Coding change: c.47del on transcript NM_000395.3 (MANE Select); coding-DNA position 47, one base deleted (G; older notation c.47delG).
Protein change: p.Cys16fs; shifts the reading frame from cysteine 16.
Molecular consequence: frameshift variant.
Genome position (GRCh38, 1-based): chr22:36,922,254, G deleted. VCF-style (leftmost placement, unchanged base first): chr22-36922253-TG-T. GRCh37 (hg19) VCF-style: chr22-37318295-TG-T.
Other names: c.47del, p.Cys16fs (NM_001410827.1); short protein forms C16fs.
Identifiers: ClinVar variation 4797099 (VCV004797099.1).